The following is an entry in ClinVar:

ClinVar aggregate classification (germline): Benign. Review status: criteria provided, multiple submitters, no conflicts (2 of 4 stars). 9 submissions from 9 submitters: Benign (7). 2 of the submissions do not count toward it. Last evaluated 2026-02-04.

Conditions:
Charcot-Marie-Tooth disease axonal type 2P. Also called: CHARCOT-MARIE-TOOTH NEUROPATHY, TYPE 2P; Charcot-Marie-Tooth Neuropathy Type 2G; CHARCOT-MARIE-TOOTH DISEASE, AXONAL, TYPE 2G; CMT 2G. Identifiers: Orphanet 300319, Orphanet 99941, MedGen C3280797, MONDO:0013753, OMIM 614436.
Charcot-Marie-Tooth disease. Also called: Charcot-Marie-Tooth Neuropathy; Charcot-Marie-Tooth Hereditary Neuropathy. Identifiers: Orphanet 166, MedGen C0007959, MONDO:0015626.

Allele frequency attached by ClinVar (database versions not stated): 1000 Genomes Project 30x 0.72626; 1000 Genomes Project 0.72883; ESP Exome Variant Server 0.73858; TOPMed 0.73971; gnomAD 0.74956 and 0.75061; gnomAD exomes 0.77472.
gnomAD v4.1: 1,242,338 of 1,610,268 alleles (77%); highest among the groups gnomAD compares: Admixed American, 83%; 481,161 homozygotes.

Submissions (9):

Labcorp Genetics (formerly Invitae), Labcorp
Classification: Benign for Charcot-Marie-Tooth disease axonal type 2P. Last evaluated: 2026-02-04. Review status: criteria provided, single submitter. Criteria: Invitae Variant Classification Sherloc (09022015). Collection method: clinical testing. Allele origin: germline.

Genome-Nilou Lab
Classification: Benign for Charcot-Marie-Tooth disease axonal type 2P. Last evaluated: 2021-09-05. Review status: criteria provided, single submitter. Criteria: ACMG Guidelines, 2015. Collection method: clinical testing. Allele origin: germline. Affected: no.

Illumina Laboratory Services, Illumina
Classification: Benign for Charcot-Marie-Tooth disease axonal type 2P. Last evaluated: 2018-01-13. Review status: criteria provided, single submitter. Criteria: ICSL Variant Classification Criteria 13 December 2019. Collection method: clinical testing. Allele origin: germline.
Comment: This variant was observed in the ICSL laboratory as part of a predisposition screen in an ostensibly healthy population. It had not been previously curated by ICSL or reported in the Human Gene Mutation Database (HGMD: prior to June 1st, 2018), and was therefore a candidate for classification through an automated scoring system. Utilizing variant allele frequency, disease prevalence and penetrance estimates, and inheritance mode, an automated score was calculated to assess if this variant is too frequent to cause the disease. Based on the score and internal cut-off values, a variant classified as benign is not then subjected to further curation. The score for this variant resulted in a classification of benign for this disease.

Mayo Clinic Laboratories, Mayo Clinic
Classification: Benign. Last evaluated: 2015-09-09. Review status: criteria provided, single submitter. Criteria: ACMG Guidelines, 2015. Collection method: clinical testing. Allele origin: germline. Observed: 1,978 variant alleles.

GeneDx
Classification: Benign. Last evaluated: 2015-03-03. Review status: criteria provided, single submitter. Criteria: GeneDx Variant Classification Process June 2021. Collection method: clinical testing. Allele origin: germline. Affected: yes.

Breakthrough Genomics
Classification: Benign. Review status: criteria provided, single submitter. Criteria: ACMG Guidelines, 2015. Collection method: not provided. Allele origin: germline. Inheritance: Autosomal dominant inheritance. Affected: yes.

Molecular Genetics Laboratory, London Health Sciences Centre
Classification: Benign for Charcot-Marie-Tooth disease. Review status: criteria provided, single submitter. Criteria: ACMG Guidelines, 2015. Collection method: clinical testing. Allele origin: germline. Affected: yes.

Clinical Genetics, Academic Medical Center
Classification: Benign. Review status: no assertion criteria provided. Collection method: clinical testing. Allele origin: germline. Affected: yes. Study: VKGL Data-share Consensus. Not counted in ClinVar's aggregate classification.

Diagnostic Laboratory, Department of Genetics, University Medical Center Groningen
Classification: Benign for Charcot-Marie-Tooth disease axonal type 2P. Review status: no assertion criteria provided. Collection method: clinical testing. Allele origin: germline. Affected: yes. Study: VKGL Data-share Consensus. Not counted in ClinVar's aggregate classification.

NM_001005373.4(LRSAM1):c.1912+5A>C

Gene: LRSAM1 (leucine rich repeat and sterile alpha motif containing 1; plus strand). Cytogenetic location: 9q33.3.
Variant type: single nucleotide variant.
Coding change: c.1912+5A>C on transcript NM_001005373.4 (MANE Select); 5 bases into the intron after coding-DNA position 1912, A replaced by C.
Molecular consequence: intron variant.
Genome position (GRCh38, 1-based): chr9:127,497,339, A>C. VCF-style: chr9-127497339-A-C. GRCh37 (hg19) VCF-style: chr9-130259618-A-C.
Other names: c.1912+5A>C (NM_138361.5, NM_001384142.1, NM_001005374.4); c.1813+5A>C (NM_001384143.1); c.1831+5A>C (NM_001190723.3); c.1123+5A>C (NM_001384144.1).
Identifiers: ClinVar variation 365033 (VCV000365033.22), dbSNP rs2248822, ClinGen allele CA5247175.